The following is an entry in ClinVar:

ClinVar aggregate classification (germline): Conflicting classifications of pathogenicity. Review status: criteria provided, conflicting classifications (1 of 4 stars). 7 submissions from 7 submitters: Uncertain significance (1); Benign (1); Likely benign (2). 3 of the submissions do not count toward it. Last evaluated 2025-12-08.

Conditions:
LMNA-related disorder. Also called: LMNA-related condition; LMNA-related disease; LMNA-related disorders. Identifiers: MedGen CN380145.
Charcot-Marie-Tooth disease type 2. Also called: Charcot-Marie-Tooth type 2. Identifiers: Orphanet 64746, MedGen C0270914, MONDO:0018993.

Allele frequency attached by ClinVar (database versions not stated): ESP Exome Variant Server 0.00070; 1000 Genomes Project 30x 0.00094; gnomAD 0.00091 and 0.00088; 1000 Genomes Project 0.00100; gnomAD exomes 0.00103; TOPMed 0.00054.
gnomAD v4.1: 1,639 of 1,612,880 alleles (0.1%); highest among the groups gnomAD compares: Non-Finnish European, 0.11%; 3 homozygotes.

Submissions (7):

Labcorp Genetics (formerly Invitae), Labcorp
Classification: Benign for Charcot-Marie-Tooth disease type 2. Last evaluated: 2025-12-08. Review status: criteria provided, single submitter. Criteria: Invitae Variant Classification Sherloc (09022015). Collection method: clinical testing. Allele origin: germline.

Revvity Omics, Revvity
Classification: Likely benign. Last evaluated: 2024-12-16. Review status: criteria provided, single submitter. Criteria: ACMG Guidelines, 2015. Collection method: clinical testing. Allele origin: germline.

GeneDx
Classification: Likely benign. Last evaluated: 2018-03-08. Review status: criteria provided, single submitter. Criteria: GeneDx Variant Classification (06012015). Collection method: clinical testing. Allele origin: germline. Affected: yes.
Comment: This variant is considered likely benign or benign based on one or more of the following criteria: it is a conservative change, it occurs at a poorly conserved position in the protein, it is predicted to be benign by multiple in silico algorithms, and/or has population frequency not consistent with disease.

Eurofins Ntd Llc (ga)
Classification: Uncertain significance. Last evaluated: 2018-01-26. Review status: criteria provided, single submitter. Criteria: EGL Classification Definitions 2015. Collection method: clinical testing. Allele origin: germline. Observed: 1 variant allele, 1 heterozygote.

PreventionGenetics, part of Exact Sciences
Classification: Likely benign for LMNA-related condition. Last evaluated: 2021-05-05. Review status: no assertion criteria provided. Collection method: clinical testing. Allele origin: germline. Not counted in ClinVar's aggregate classification.
Comment: This variant is classified as likely benign based on ACMG/AMP sequence variant interpretation guidelines (Richards et al. 2015 PMID: 25741868, with internal and published modifications).

Genome Diagnostics Laboratory, University Medical Center Utrecht
Classification: Benign. Review status: no assertion criteria provided. Collection method: clinical testing. Allele origin: germline. Affected: yes. Study: VKGL Data-share Consensus. Not counted in ClinVar's aggregate classification.

Joint Genome Diagnostic Labs from Nijmegen and Maastricht, Radboudumc and MUMC+
Classification: Benign. Review status: no assertion criteria provided. Collection method: clinical testing. Allele origin: germline. Affected: yes. Study: VKGL Data-share Consensus. Not counted in ClinVar's aggregate classification.

NM_170707.4(LMNA):c.640-52C>T

Gene: LMNA (lamin A/C; plus strand). Cytogenetic location: 1q22.
Variant type: single nucleotide variant.
Coding change: c.640-52C>T on transcript NM_170707.4 (MANE Select); 52 bases into the intron before coding-DNA position 640, C replaced by T.
Molecular consequence: intron variant.
Genome position (GRCh38, 1-based): chr1:156,134,753, C>T. VCF-style: chr1-156134753-C-T. GRCh37 (hg19) VCF-style: chr1-156104544-C-T.
Other names: c.640-52C>T (NM_001282625.2, NM_001282626.2, NM_170708.4 and 2 more transcripts); c.304-52C>T (NM_001257374.3); c.397-52C>T (NM_001282624.2).
Identifiers: ClinVar variation 595906 (VCV000595906.23), dbSNP rs41314033, ClinGen allele CA31011218.